The following is an entry in ClinVar:

ClinVar aggregate classification (germline): Uncertain significance (1 of 4 stars; one submission).

Conditions:
Fanconi anemia (FA). Also called: Fanconi's anemia. Identifiers: Orphanet 84, MedGen C0015625, MeSH D005199, MONDO:0019391.

Submission:

Labcorp Genetics (formerly Invitae), Labcorp
Classification: Uncertain significance for Fanconi anemia. Last evaluated: 2025-02-25. Review status: criteria provided, single submitter. Criteria: Invitae Variant Classification Sherloc (09022015). Collection method: clinical testing. Allele origin: germline.
Comment: This sequence change replaces glutamine, which is neutral and polar, with leucine, which is neutral and non-polar, at codon 365 of the SLX4 protein (p.Gln365Leu). This variant is not present in population databases (gnomAD no frequency). This variant has not been reported in the literature in individuals affected with SLX4-related conditions. ClinVar contains an entry for this variant (Variation ID: 2156032). An algorithm developed to predict the effect of missense changes on protein structure and function (PolyPhen-2) suggests that this variant is likely to be disruptive. In summary, the available evidence is currently insufficient to determine the role of this variant in disease. Therefore, it has been classified as a Variant of Uncertain Significance.

NM_032444.4(SLX4):c.1094A>T (p.Gln365Leu)

Gene: SLX4 (SLX4 structure-specific endonuclease subunit; minus strand). Cytogenetic location: 16p13.3.
Variant type: single nucleotide variant.
Coding change: c.1094A>T on transcript NM_032444.4 (MANE Select); coding-DNA position 1094, A replaced by T.
Protein change: p.Gln365Leu; replaces glutamine 365 with leucine.
Molecular consequence: missense variant.
Genome position (GRCh38, 1-based): chr16:3,601,048, T>A on the plus strand (A>T on the coding strand, the complement: SLX4 is on the minus strand). VCF-style: chr16-3601048-T-A. GRCh37 (hg19) VCF-style: chr16-3651049-T-A.
Other names: short protein forms Q365L.
Identifiers: ClinVar variation 2156032 (VCV002156032.4), dbSNP rs1243083910, ClinGen allele CA394531510.
Genomic context (GRCh38, chr16:3,601,048, plus strand): 5'-GGTGGGCTGCTGCTACCCTCAGGCTGTGCTGTCTGCAGCCGCACAGCCTGAAGCAGGAGC[T>A]GGGGGCCAACCTCCATCTTCACAGCACACTGCTTCAAGTGACTGGTTCTGCTCTTTAAGG-3'
Protein context (NP_115820.2, residues 355-375): QCAVKMEVGP[Gln365Leu]LLLQAVRLQT